The following is an entry in ClinVar:

ClinVar aggregate classification (germline): Uncertain significance (1 of 4 stars; one submission).

Conditions:
Fanconi anemia (FA). Also called: Fanconi's anemia. Identifiers: Orphanet 84, MedGen C0015625, MeSH D005199, MONDO:0019391.

gnomAD v4.1: 1 of 1,613,846 alleles (0.000062%); highest among the groups gnomAD compares: Non-Finnish European, 0.000085%; no homozygotes.

Submission:

Labcorp Genetics (formerly Invitae), Labcorp
Classification: Uncertain significance for Fanconi anemia. Last evaluated: 2025-07-21. Review status: criteria provided, single submitter. Criteria: Invitae Variant Classification Sherloc (09022015). Collection method: clinical testing. Allele origin: germline.
Comment: This sequence change replaces serine, which is neutral and polar, with tyrosine, which is neutral and polar, at codon 478 of the FANCI protein (p.Ser478Tyr). This variant is not present in population databases (gnomAD no frequency). This variant has not been reported in the literature in individuals affected with FANCI-related conditions. ClinVar contains an entry for this variant (Variation ID: 3703443). Invitae Evidence Modeling of protein sequence and biophysical properties (such as structural, functional, and spatial information, amino acid conservation, physicochemical variation, residue mobility, and thermodynamic stability) indicates that this missense variant is expected to disrupt FANCI protein function with a positive predictive value of 80%. In summary, the available evidence is currently insufficient to determine the role of this variant in disease. Therefore, it has been classified as a Variant of Uncertain Significance.

NM_001113378.2(FANCI):c.1433C>A (p.Ser478Tyr)

Gene: FANCI (FA complementation group I; plus strand). Cytogenetic location: 15q26.1.
Variant type: single nucleotide variant.
Coding change: c.1433C>A on transcript NM_001113378.2 (MANE Select); coding-DNA position 1433, C replaced by A.
Protein change: p.Ser478Tyr; replaces serine 478 with tyrosine.
Molecular consequence: missense variant.
Genome position (GRCh38, 1-based): chr15:89,281,221, C>A. VCF-style: chr15-89281221-C-A. GRCh37 (hg19) VCF-style: chr15-89824452-C-A.
Other names: c.1154C>A, p.Ser385Tyr (NM_001376910.1); c.1433C>A, p.Ser478Tyr (NM_001376911.1, NM_018193.3); short protein forms S385Y, S478Y.
Identifiers: ClinVar variation 3703443 (VCV003703443.2).